The following is an entry in ClinVar:

NM_006030.4(CACNA2D2):c.1293del (p.His431fs)

Gene: CACNA2D2 (calcium voltage-gated channel auxiliary subunit alpha2delta 2; minus strand). Cytogenetic location: 3p21.31.
Variant type: Deletion.
Coding change: c.1293del on transcript NM_006030.4 (MANE Select); coding-DNA position 1293, one base deleted (T; older notation c.1293delT).
Protein change: p.His431fs; shifts the reading frame from histidine 431.
Molecular consequence: frameshift variant.
Genome position (GRCh38, 1-based): chr3:50,378,961, A deleted on the plus strand (T on the coding strand, the reverse complement: CACNA2D2 is on the minus strand). VCF-style (leftmost placement, unchanged base first): chr3-50378960-TA-T. GRCh37 (hg19) VCF-style: chr3-50416391-TA-T.
Other names: c.1293del, p.His431fs (NM_001005505.3, NM_001174051.3, NM_001410768.1); c.1086del, p.His362fs (NM_001291101.1); short protein forms H362fs, H431fs.
Identifiers: ClinVar variation 3658199 (VCV003658199.2).
Genomic context (GRCh38, chr3:50,378,960, plus strand): 5'-GCGCAGGGGAGGTACCTTTGTTGGCACAGGCCATCCACTGCAGCGGTGTGACGTCATAGT[TA>T]TGCTGCCCCACGGAGAAAGTAAACACGCGCACCTGTGGGGGGTTTGAGGTTACTGCTGTG-3'

ClinVar aggregate classification (germline): Pathogenic (1 of 4 stars; one submission).

Conditions:
Early-infantile DEE. Also called: Ohtahara syndrome; Early infantile epileptic encephalopathy; Early infantile epileptic encephalopathy with suppression bursts. Identifiers: Orphanet 1934, MedGen C0393706, MONDO:0800491.

Submission:

Labcorp Genetics (formerly Invitae), Labcorp
Classification: Pathogenic for Early-infantile DEE. Last evaluated: 2024-06-29. Review status: criteria provided, single submitter. Criteria: Invitae Variant Classification Sherloc (09022015). Collection method: clinical testing. Allele origin: germline.
Comment: This sequence change creates a premature translational stop signal (p.His431Glnfs*36) in the CACNA2D2 gene. It is expected to result in an absent or disrupted protein product. Loss-of-function variants in CACNA2D2 are known to be pathogenic (PMID: 24358150). This variant is not present in population databases (gnomAD no frequency). This variant has not been reported in the literature in individuals affected with CACNA2D2-related conditions. For these reasons, this variant has been classified as Pathogenic.

Literature cited by the submitters: PubMed 24358150.